The following is an entry in ClinVar:

ClinVar aggregate classification (germline): Uncertain significance (1 of 4 stars; one submission).

Conditions:
Hereditary sensory and autonomic neuropathy type 6. Also called: HSAN VI; Neuropathy, hereditary sensory and autonomic, type VI. Identifiers: Orphanet 314381, MedGen C3539003, MONDO:0013839, OMIM 614653.
Epidermolysis bullosa simplex 3, localized or generalized intermediate, with BP230 deficiency (EBS3). Also called: Epidermolysis bullosa simplex, autosomal recessive 2; Epidermolysis bullosa simplex due to BP230 deficiency. Identifiers: Orphanet 412181, MedGen C3809470, MONDO:0014180, OMIM 615425.

gnomAD v4.1: 38 of 1,614,070 alleles (0.0024%); highest among the groups gnomAD compares: Admixed American, 0.0017%; no homozygotes.

Submission:

Labcorp Genetics (formerly Invitae), Labcorp
Classification: Uncertain significance for Epidermolysis bullosa simplex 3, localized or generalized intermediate, with BP230 deficiency; Hereditary sensory and autonomic neuropathy type 6. Last evaluated: 2022-07-11. Review status: criteria provided, single submitter. Criteria: Invitae Variant Classification Sherloc (09022015). Collection method: clinical testing. Allele origin: germline.
Comment: This sequence change replaces arginine, which is basic and polar, with leucine, which is neutral and non-polar, at codon 9 of the DST protein (p.Arg9Leu). This variant is present in population databases (rs201866780, gnomAD 0.1%). This variant has not been reported in the literature in individuals affected with DST-related conditions. ClinVar contains an entry for this variant (Variation ID: 541442). Algorithms developed to predict the effect of missense changes on protein structure and function are either unavailable or do not agree on the potential impact of this missense change (SIFT: "Deleterious"; PolyPhen-2: "Benign"; Align-GVGD: "Class C65"). In summary, the available evidence is currently insufficient to determine the role of this variant in disease. Therefore, it has been classified as a Variant of Uncertain Significance.

NM_001723.7(DST):c.26G>T (p.Arg9Leu)

Gene: DST (dystonin; minus strand). Cytogenetic location: 6p12.1.
Variant type: single nucleotide variant.
Coding change: c.26G>T on transcript NM_001723.7 (MANE Plus Clinical); coding-DNA position 26, G replaced by T.
Protein change: p.Arg9Leu; replaces arginine 9 with leucine.
Molecular consequence: missense variant. On other transcripts: intron variant (9).
Genome position (GRCh38, 1-based): chr6:56,642,763, C>A on the plus strand (G>T on the coding strand, the complement: DST is on the minus strand). VCF-style: chr6-56642763-C-A. GRCh37 (hg19) VCF-style: chr6-56507561-C-A.
Other names: c.26G>T, p.Arg9Leu (NM_015548.5); c.1680-260G>T (NM_001144769.5); c.1779-260G>T (NM_001374722.1, NM_001374736.1); c.1806-260G>T (NM_001374734.1); c.1266-260G>T (NM_001144770.2); c.1146-260G>T (NM_001374730.1, NM_001386100.1, NM_183380.4 and 1 more transcripts); short protein forms R9L.
Identifiers: ClinVar variation 541442 (VCV000541442.8), dbSNP rs201866780, ClinGen allele CA3871608.